The following is an entry in ClinVar:

ClinVar aggregate classification (germline): Conflicting classifications of pathogenicity. Review status: criteria provided, conflicting classifications (1 of 4 stars). 2 submissions from 2 submitters: Uncertain significance (1); Likely benign (1). Last evaluated 2025-11-23.

Conditions:
Hereditary cancer-predisposing syndrome. Also called: Tumor predisposition; Hereditary neoplastic syndrome; Neoplastic Syndromes, Hereditary; Hereditary Cancer Syndrome. Identifiers: Orphanet 140162, MedGen C0027672, MeSH D009386, MONDO:0015356.
Bloom syndrome (BLM). Also called: Bloom-Torre-Machacek syndrome. Identifiers: Orphanet 125, MedGen C0005859, MONDO:0008876, OMIM 210900.

Allele frequency attached by ClinVar (database versions not stated): gnomAD exomes below 0.00001; ExAC 0.00001.
gnomAD v4.1: 2 of 1,603,678 alleles (0.00012%); no homozygotes.

Submissions (2):

Labcorp Genetics (formerly Invitae), Labcorp
Classification: Likely benign for Bloom syndrome. Last evaluated: 2025-11-23. Review status: criteria provided, single submitter. Criteria: Invitae Variant Classification Sherloc (09022015). Collection method: clinical testing. Allele origin: germline.

Ambry Genetics
Classification: Uncertain significance for Hereditary cancer-predisposing syndrome. Last evaluated: 2024-06-25. Review status: criteria provided, single submitter. Criteria: Ambry Variant Classification Scheme 2023. Collection method: clinical testing. Allele origin: germline.
Comment: The c.2406+5A>G intronic variant results from an A to G substitution 5 nucleotides after coding exon 10 in the BLM gene. This nucleotide position is not well conserved in available vertebrate species. In silico splice site analysis predicts that this alteration will not have any significant effect on splicing. Since supporting evidence is limited at this time, the clinical significance of this alteration remains unclear.

NM_000057.4(BLM):c.2406+5A>G

Gene: BLM (BLM RecQ like helicase; plus strand). Cytogenetic location: 15q26.1.
Variant type: single nucleotide variant.
Coding change: c.2406+5A>G on transcript NM_000057.4 (MANE Select); 5 bases into the intron after coding-DNA position 2406, A replaced by G.
Molecular consequence: intron variant.
Genome position (GRCh38, 1-based): chr15:90,769,236, A>G. VCF-style: chr15-90769236-A-G. GRCh37 (hg19) VCF-style: chr15-91312466-A-G.
Other names: c.2406+5A>G (NM_001287246.2, NM_001287247.2); c.1281+5A>G (NM_001287248.2).
Identifiers: ClinVar variation 1361277 (VCV001361277.9), dbSNP rs763104913, ClinGen allele CA7738746.